The following is an entry in ClinVar:

ClinVar aggregate classification (germline): Conflicting classifications of pathogenicity. Review status: criteria provided, conflicting classifications (1 of 4 stars). 2 submissions from 2 submitters: Likely pathogenic (1); Uncertain significance (1). Last evaluated 2023-09-20.

Submissions (2):

Mayo Clinic Laboratories, Mayo Clinic
Classification: Likely pathogenic. Last evaluated: 2023-09-20. Review status: criteria provided, single submitter. Criteria: ACMG Guidelines, 2015. Collection method: clinical testing. Allele origin: germline. Observed: 1 variant allele.
Comment: PP3, PM2_moderate, PM3_supporting, PM5

Women's Health and Genetics/Laboratory Corporation of America, LabCorp
Classification: Uncertain significance. Last evaluated: 2018-07-05. Review status: criteria provided, single submitter. Criteria: LabCorp Variant Classification Summary - May 2015. Collection method: clinical testing. Allele origin: germline.
Comment: Variant summary: ATP7B c.2184C>G (p.Asn728Lys) results in a non-conservative amino acid change in the encoded protein sequence. Five of five in-silico tools predict a damaging effect of the variant on protein function. The variant was absent in 120770 control chromosomes (ExAC). The available data on variant occurrences in the general population are insufficient to allow any conclusion about variant significance. To our knowledge, no occurrence of c.2184C>G in individuals affected with Wilson Disease and no experimental evidence demonstrating its impact on protein function have been reported, though variants at the same codon and adjacent codons have been implicated in disease (HGMD), suggesting a potential mutational hotspot. No clinical diagnostic laboratories have submitted clinical-significance assessments for this variant to ClinVar after 2014. Based on the evidence outlined above, the variant was classified as uncertain significance.

NM_000053.4(ATP7B):c.2184C>G (p.Asn728Lys)

Gene: ATP7B (ATPase copper transporting beta; minus strand). Cytogenetic location: 13q14.3.
Variant type: single nucleotide variant.
Coding change: c.2184C>G on transcript NM_000053.4 (MANE Select); coding-DNA position 2184, C replaced by G.
Protein change: p.Asn728Lys; replaces asparagine 728 with lysine.
Molecular consequence: missense variant. On other transcripts: intron variant (2).
Genome position (GRCh38, 1-based): chr13:51,958,482, G>C on the plus strand (C>G on the coding strand, the complement: ATP7B is on the minus strand). VCF-style: chr13-51958482-G-C. GRCh37 (hg19) VCF-style: chr13-52532618-G-C.
Other names: p.Asn728Lys; c.1851C>G, p.Asn617Lys (NM_001243182.2); c.1932C>G, p.Asn644Lys (NM_001330579.2); c.1870-875C>G (NM_001005918.3); c.2122-875C>G (NM_001330578.2); short protein forms N728K, N617K, N644K.
Identifiers: ClinVar variation 632664 (VCV000632664.2), dbSNP rs1202766392, ClinGen allele CA388022943.